The following is an entry in ClinVar:

NC_000016.9:g.(?_53639383)_(53698931_?)del

Gene: RPGRIP1L (RPGRIP1 like; minus strand). Cytogenetic location: 16q12.2.
Variant type: Deletion.
Identifiers: ClinVar variation 1066451 (VCV001066451.9).

ClinVar aggregate classification (germline): Pathogenic (1 of 4 stars; one submission).

Conditions:
Joubert syndrome. Also called: Familial aplasia of the vermis; CEREBELLOPARENCHYMAL DISORDER IV; JOUBERT-BOLTSHAUSER SYNDROME. Identifiers: Orphanet 475, MedGen C5979921, MONDO:0018772.
Meckel-Gruber syndrome. Also called: Dysencephalia splachnocystica; DYSENCEPHALIA SPLANCHNOCYSTICA; GRUBER SYNDROME. Identifiers: Orphanet 564, MedGen C0265215, MONDO:0018921.

Submission:

Labcorp Genetics (formerly Invitae), Labcorp
Classification: Pathogenic for Joubert syndrome; Meckel-Gruber syndrome. Last evaluated: 2022-08-23. Review status: criteria provided, single submitter. Criteria: Invitae Variant Classification Sherloc (09022015). Collection method: clinical testing. Allele origin: germline.
Comment: This variant is a gross deletion of the genomic region encompassing exon(s) 10-26 of the RPGRIP1L gene. While this deletion is not anticipated to lead to nonsense mediated decay, it is expected to disrupt the C-terminus of the protein. This variant has not been reported in the literature in individuals affected with RPGRIP1L-related conditions. This variant disrupts a region of the RPGRIP1L protein in which other variant(s) (p.Gln550Arg) have been determined to be pathogenic (PMID: 22693042, 29620724). This suggests that this is a clinically significant region of the protein, and that variants that disrupt it are likely to be disease-causing. For these reasons, this variant has been classified as Pathogenic.

Literature cited by the submitters: PubMed 22693042; PubMed 29620724.